The following is an entry in ClinVar:

NM_152743.4(BRAT1):c.652C>G (p.Leu218Val)

Gene: BRAT1 (BRCA1 associated ATM activator 1; minus strand). Cytogenetic location: 7p22.3.
Variant type: single nucleotide variant.
Coding change: c.652C>G on transcript NM_152743.4 (MANE Select); coding-DNA position 652, C replaced by G.
Protein change: p.Leu218Val; replaces leucine 218 with valine.
Molecular consequence: missense variant. On other transcripts: non-coding transcript variant (1).
Genome position (GRCh38, 1-based): chr7:2,543,741, G>C on the plus strand (C>G on the coding strand, the complement: BRAT1 is on the minus strand). VCF-style: chr7-2543741-G-C. GRCh37 (hg19) VCF-style: chr7-2583375-G-C.
Other names: c.652C>G, p.Leu218Val (NM_001350626.2); c.127C>G, p.Leu43Val (NM_001350627.2); short protein forms L218V, L43V.
Identifiers: ClinVar variation 546476 (VCV000546476.8), dbSNP rs1471856951, ClinGen allele CA366632051.

ClinVar aggregate classification (germline): Uncertain significance. Review status: criteria provided, multiple submitters, no conflicts (2 of 4 stars). 2 submissions from 2 submitters: Uncertain significance (2). Last evaluated 2024-04-29.

Conditions:
Neonatal-onset encephalopathy with rigidity and seizures. Also called: Lethal neonatal spasticity-epileptic encephalopathy syndrome. Identifiers: Orphanet 435845, MedGen C3281029, MONDO:0013784, OMIM 614498.

Allele frequency attached by ClinVar (database versions not stated): gnomAD 0.00001 and 0.00002; gnomAD exomes 0.00001; TOPMed 0.00001.
gnomAD v4.1: 9 of 1,602,210 alleles (0.00056%); highest among the groups gnomAD compares: Admixed American, 0.01%; no homozygotes.

Submissions (2):

Labcorp Genetics (formerly Invitae), Labcorp
Classification: Uncertain significance for Neonatal-onset encephalopathy with rigidity and seizures. Last evaluated: 2024-04-29. Review status: criteria provided, single submitter. Criteria: Invitae Variant Classification Sherloc (09022015). Collection method: clinical testing. Allele origin: germline.
Comment: This sequence change replaces leucine, which is neutral and non-polar, with valine, which is neutral and non-polar, at codon 218 of the BRAT1 protein (p.Leu218Val). This variant is present in population databases (no rsID available, gnomAD 0.009%). This variant has not been reported in the literature in individuals affected with BRAT1-related conditions. ClinVar contains an entry for this variant (Variation ID: 546476). Advanced modeling of protein sequence and biophysical properties (such as structural, functional, and spatial information, amino acid conservation, physicochemical variation, residue mobility, and thermodynamic stability) performed at Invitae indicates that this missense variant is expected to disrupt BRAT1 protein function with a positive predictive value of 80%. In summary, the available evidence is currently insufficient to determine the role of this variant in disease. Therefore, it has been classified as a Variant of Uncertain Significance.

GeneDx
Classification: Uncertain significance. Last evaluated: 2023-12-04. Review status: criteria provided, single submitter. Criteria: GeneDx Variant Classification Process June 2021. Collection method: clinical testing. Allele origin: germline. Affected: yes.
Comment: Not observed at significant frequency in large population cohorts (gnomAD); In silico analysis supports that this missense variant does not alter protein structure/function; Has not been previously published as pathogenic or benign to our knowledge